The following is an entry in ClinVar:

ClinVar aggregate classification (germline): Uncertain significance (1 of 4 stars; one submission).

Submission:

GeneDx
Classification: Uncertain significance. Last evaluated: 2024-02-01. Review status: criteria provided, single submitter. Criteria: GeneDx Variant Classification Process June 2021. Collection method: clinical testing. Allele origin: germline. Affected: yes.
Comment: In-frame deletion of 1 amino acid in a non-repeat region; Not observed at significant frequency in large population cohorts (gnomAD); In silico analysis supports a deleterious effect on protein structure/function; Has not been previously published as pathogenic or benign to our knowledge

NM_015338.6(ASXL1):c.590_592del (p.Gly197del)

Gene: ASXL1 (ASXL transcriptional regulator 1; plus strand). Cytogenetic location: 20q11.21.
Variant type: Deletion.
Coding change: c.590_592del on transcript NM_015338.6 (MANE Select); coding-DNA positions 590 to 592, 3 bases deleted (GCG; older notation c.590_592delGCG).
Protein change: p.Gly197del; deletes glycine 197.
Molecular consequence: inframe deletion. On other transcripts: inframe indel (1), intron variant (1).
Genome position (GRCh38, 1-based): chr20:32,429,925-32,429,927, GCG deleted; deleting any 3 consecutive bases within chr20:32,429,924-32,429,927 gives the same sequence; the c. name uses the placement nearest the transcript's 3' end. VCF-style (leftmost placement, unchanged base first): chr20-32429923-TGGC-T. GRCh37 (hg19) VCF-style: chr20-31017726-TGGC-T.
Other names: c.590_592delGCG, p.Gly197del (NM_015338.5); c.535+494_535+496del (NM_001363734.1); short protein forms G197del.
Identifiers: ClinVar variation 3368466 (VCV003368466.1).